The following is an entry in ClinVar:

NM_000153.4(GALC):c.170G>T (p.Gly57Val)

Genes: GALC (galactosylceramidase; minus strand), LOC130056217 (ATAC-STARR-seq lymphoblastoid silent region 5988; plus strand). Cytogenetic location: 14q31.3.
Variant type: single nucleotide variant.
Coding change: c.170G>T on transcript NM_000153.4 (MANE Select); coding-DNA position 170, G replaced by T.
Protein change: p.Gly57Val; replaces glycine 57 with valine.
Molecular consequence: missense variant. On other transcripts: intron variant (1).
Genome position (GRCh38, 1-based): chr14:87,992,995, C>A on the plus strand (G>T on the coding strand, the complement: GALC is on the minus strand). VCF-style: chr14-87992995-C-A. GRCh37 (hg19) VCF-style: chr14-88459339-C-A.
Other names: c.170G>T, p.Gly57Val (NM_001201401.2); c.117+388G>T (NM_001201402.2); short protein forms G57V.
Identifiers: ClinVar variation 1473965 (VCV001473965.8), dbSNP rs1217139658, ClinGen allele CA390771696.

ClinVar aggregate classification (germline): Likely pathogenic (1 of 4 stars; one submission).

Conditions:
Galactosylceramide beta-galactosidase deficiency. Also called: Krabbe Disease; Leukodystrophy, Globoid Cell; GALACTOCEREBROSIDASE DEFICIENCY; GALC DEFICIENCY; GLOBOID CELL LEUKOENCEPHALOPATHY. Identifiers: Orphanet 487, MedGen C0023521, MONDO:0009499, OMIM 245200.

Submission:

Labcorp Genetics (formerly Invitae), Labcorp
Classification: Likely pathogenic for Galactosylceramide beta-galactosidase deficiency. Last evaluated: 2020-11-03. Review status: criteria provided, single submitter. Criteria: Invitae Variant Classification Sherloc (09022015). Collection method: clinical testing. Allele origin: germline.
Comment: This variant disrupts the p.Gly57 amino acid residue in GALC. Other variant(s) that disrupt this residue have been determined to be pathogenic (PMID: 21070211). This suggests that this residue is clinically significant, and that variants that disrupt this residue are likely to be disease-causing. Advanced modeling of protein sequence and biophysical properties (such as structural, functional, and spatial information, amino acid conservation, physicochemical variation, residue mobility, and thermodynamic stability) performed at Invitae indicates that this missense variant is expected to disrupt GALC protein function. This variant has not been reported in the literature in individuals with GALC-related conditions. The frequency data for this variant in the population databases is considered unreliable, as metrics indicate insufficient coverage at this position in the ExAC database. This sequence change replaces glycine with valine at codon 57 of the GALC protein (p.Gly57Val). The glycine residue is highly conserved and there is a moderate physicochemical difference between glycine and valine. In summary, the currently available evidence indicates that the variant is pathogenic, but additional data are needed to prove that conclusively. Therefore, this variant has been classified as Likely Pathogenic.

Literature cited by the submitters: PubMed 21070211.